The following is an entry in ClinVar:

NM_052947.4(ALPK2):c.6238G>A (p.Asp2080Asn)

Gene: ALPK2 (alpha kinase 2; minus strand). Cytogenetic location: 18q21.31.
Variant type: single nucleotide variant.
Coding change: c.6238G>A on transcript NM_052947.4 (MANE Select); coding-DNA position 6238, G replaced by A.
Protein change: p.Asp2080Asn; replaces aspartic acid 2080 with asparagine.
Molecular consequence: missense variant.
Genome position (GRCh38, 1-based): chr18:58,503,940, C>T on the plus strand (G>A on the coding strand, the complement: ALPK2 is on the minus strand). VCF-style: chr18-58503940-C-T. GRCh37 (hg19) VCF-style: chr18-56171172-C-T.
Other names: short protein forms D2080N.
Identifiers: ClinVar variation 3289775 (VCV003289775.1).

ClinVar aggregate classification (germline): Uncertain significance (1 of 4 stars; one submission).

gnomAD v4.1: 4 of 1,613,126 alleles (0.00025%); highest among the groups gnomAD compares: Non-Finnish European, 0.00025%; no homozygotes.

Submission:

Ambry Genetics
Classification: Uncertain significance. Last evaluated: 2024-03-18. Review status: criteria provided, single submitter. Criteria: Ambry Variant Classification Scheme 2023. Collection method: clinical testing. Allele origin: germline.
Comment: The p.D2080N variant (also known as c.6238G>A), located in coding exon 10 of the ALPK2 gene, results from a G to A substitution at nucleotide position 6238. The aspartic acid at codon 2080 is replaced by asparagine, an amino acid with highly similar properties. This amino acid position is conserved. In addition, this alteration is predicted to be tolerated by in silico analysis. Based on the available evidence, the clinical significance of this alteration remains unclear.